The following is an entry in ClinVar:

NM_001605.3(AARS1):c.2046A>G (p.Leu682=)

Gene: AARS1 (alanyl-tRNA synthetase 1; minus strand). Cytogenetic location: 16q22.1.
Variant type: single nucleotide variant.
Coding change: c.2046A>G on transcript NM_001605.3 (MANE Select); coding-DNA position 2046, A replaced by G.
Protein change: p.Leu682=; no amino-acid change (leucine 682 retained).
Molecular consequence: synonymous variant.
Genome position (GRCh38, 1-based): chr16:70,258,164, T>C on the plus strand (A>G on the coding strand, the complement: AARS1 is on the minus strand). VCF-style: chr16-70258164-T-C. GRCh37 (hg19) VCF-style: chr16-70292067-T-C.
Identifiers: ClinVar variation 543253 (VCV000543253.12), dbSNP rs757898507, ClinGen allele CA8140577.
Genomic context (GRCh38, chr16:70,258,164, plus strand): 5'-CGGGACCCCAATGGAGACGACTCGCACAGGGTCAGGATAGGTCTCATCAAACACAGCCCG[T>C]AGGCCCTGGATGGCTTTCGCTGCTGCCAGGGGGCAATCCTGGGTATAGACGGCCTGCCAG-3'
Protein context (NP_001596.2, residues 672-692): PLAAAKAIQG[Leu682=]RAVFDETYPD

ClinVar aggregate classification (germline): Likely benign. Review status: criteria provided, multiple submitters, no conflicts (2 of 4 stars). 3 submissions from 3 submitters: Likely benign (3). Last evaluated 2026-02-11.

Conditions:
Inborn genetic diseases. Identifiers: MedGen C0950123, MeSH D030342.
Charcot-Marie-Tooth disease type 2. Also called: Charcot-Marie-Tooth type 2. Identifiers: Orphanet 64746, MedGen C0270914, MONDO:0018993.
AARS1-related disorder. Also called: AARS1-related condition.

Allele frequency attached by ClinVar (database versions not stated): gnomAD exomes 0.00001 and 0.00003; ExAC 0.00004.
gnomAD v4.1: 15 of 1,609,716 alleles (0.00093%); highest among the groups gnomAD compares: South Asian, 0.012%; no homozygotes.

Submissions (3):

PreventionGenetics, part of Exact Sciences
Classification: Likely benign for AARS1-related condition. Last evaluated: 2026-02-11. Review status: criteria provided, single submitter. Criteria: ACMG Guidelines, 2015. Collection method: clinical testing. Allele origin: germline.
Comment: This variant is classified as likely benign based on ACMG/AMP sequence variant interpretation guidelines (Richards et al. 2015 PMID: 25741868, with internal and published modifications).

Labcorp Genetics (formerly Invitae), Labcorp
Classification: Likely benign for Charcot-Marie-Tooth disease type 2. Last evaluated: 2023-11-06. Review status: criteria provided, single submitter. Criteria: Invitae Variant Classification Sherloc (09022015). Collection method: clinical testing. Allele origin: germline.

Ambry Genetics
Classification: Likely benign for Inborn genetic diseases. Last evaluated: 2019-07-11. Review status: criteria provided, single submitter. Criteria: Ambry Variant Classification Scheme 2023. Collection method: clinical testing. Allele origin: germline.